The following is an entry in ClinVar:

ClinVar aggregate classification (germline): Uncertain significance (1 of 4 stars; one submission).

Submission:

GeneDx
Classification: Uncertain significance. Last evaluated: 2024-01-21. Review status: criteria provided, single submitter. Criteria: GeneDx Variant Classification Process June 2021. Collection method: clinical testing. Allele origin: germline. Affected: yes.
Comment: Not observed at significant frequency in large population cohorts (gnomAD); Frameshift variant predicted to result in protein truncation or nonsense mediated decay in a gene or region of a gene for which loss of function is not a well-established mechanism of disease; Has not been previously published as pathogenic or benign to our knowledge

NM_015330.6(SPECC1L):c.76dup (p.Ile26fs)

Genes: SPECC1L (sperm antigen with calponin homology and coiled-coil domains 1 like; plus strand), SPECC1L-ADORA2A (SPECC1L-ADORA2A readthrough (NMD candidate); plus strand). Cytogenetic location: 22q11.23.
Variant type: Duplication.
Coding change: c.76dup on transcript NM_015330.6 (MANE Select); coding-DNA position 76, one base duplicated (A; older notation c.76dupA).
Protein change: p.Ile26fs; shifts the reading frame from isoleucine 26.
Molecular consequence: frameshift variant. On other transcripts: non-coding transcript variant (1).
Genome position (GRCh38, 1-based): chr22:24,302,307, A duplicated; the last of 6 consecutive A bases (chr22:24,302,302-24,302,307); duplicating any one gives the same sequence. VCF-style (leftmost placement, unchanged base first): chr22-24302301-G-GA. GRCh37 (hg19) VCF-style: chr22-24698269-G-GA.
Other names: c.76dup, p.Ile26fs (NM_001145468.4, NM_001254732.3); short protein forms I26fs.
Identifiers: ClinVar variation 3367584 (VCV003367584.1).
Genomic context (GRCh38, chr22:24,302,301, plus strand): 5'-GCAAGCAGGAGTGTTGGCTCAGTGCCTAAAGTGTCTGCAATAAGTAAAACGCAAACAGCA[G>GA]AAAAAATTAAACCTGAAAACAGCTCTTCAGCATCTACGGGAGGCAAACTTGTAAAACCTG-3'